The following is an entry in ClinVar:

ClinVar aggregate classification (germline): Uncertain significance (1 of 4 stars; one submission).

Conditions:
Intellectual developmental disorder, X-linked, syndromic, Claes-Jensen type. Also called: Syndromic X-linked intellectual disability Claes-Jensen type; INTELLECTUAL DEVELOPMENTAL DISORDER, X-LINKED, SYNDROMIC 16; MENTAL RETARDATION, X-LINKED, SYNDROMIC 16. Identifiers: Orphanet 85279, MedGen C1845243, MONDO:0010355, OMIM 300534.

Submission:

Neuberg Centre For Genomic Medicine, NCGM
Classification: Uncertain significance for Intellectual developmental disorder, X-linked, syndromic, Claes-Jensen type. Review status: criteria provided, single submitter. Criteria: ACMG Guidelines, 2015. Collection method: clinical testing. Allele origin: germline. Inheritance: X-linked recessive inheritance. Affected: yes.
Comment: The missense c.964A>G p.Ile322Val variant in KDM5C gene has not been reported previously as a pathogenic variant nor as a benign variant, to our knowledge. The p.Ile322Val variant is novel not in any individuals in gnomAD Exomes and 1000 Genomes. This variant has not been reported to the ClinVar database. The amino acid change p.Ile322Val in KDM5C is predicted as conserved by GERP++ and PhyloP across 100 vertebrates. The amino acid Ile at position 322 is changed to a Val changing protein sequence and it might alter its composition and physico-chemical properties. For these reasons, this variant has been classified as Variant of Uncertain Significance VUS.

NM_004187.5(KDM5C):c.964A>G (p.Ile322Val)

Gene: KDM5C (lysine demethylase 5C; minus strand). Cytogenetic location: Xp11.22.
Variant type: single nucleotide variant.
Coding change: c.964A>G on transcript NM_004187.5 (MANE Select); coding-DNA position 964, A replaced by G.
Protein change: p.Ile322Val; replaces isoleucine 322 with valine.
Molecular consequence: missense variant. On other transcripts: non-coding transcript variant (3).
Genome position (GRCh38, 1-based): chrX:53,214,847, T>C on the plus strand (A>G on the coding strand, the complement: KDM5C is on the minus strand). VCF-style: chrX-53214847-T-C. GRCh37 (hg19) VCF-style: chrX-53244029-T-C.
Other names: c.763A>G, p.Ile255Val (NM_001146702.2); c.961A>G, p.Ile321Val (NM_001282622.3, NM_001353979.2, NM_001353982.2); c.964A>G, p.Ile322Val (NM_001353978.3, NM_001353981.2, NM_001353984.2); short protein forms I255V, I321V, I322V.
Identifiers: ClinVar variation 3236412 (VCV003236412.2), dbSNP rs2519541824, ClinGen allele CA413132500.